The following is an entry in ClinVar:

ClinVar aggregate classification (germline): Uncertain significance (1 of 4 stars; one submission).

Conditions:
Progressive sclerosing poliodystrophy (MTDPS4A). Also called: Mitochondrial DNA Depletion Syndrome 4A; Alpers-Huttenlocher Syndrome (AHS); ALPERS PROGRESSIVE INFANTILE POLIODYSTROPHY; NEURONAL DEGENERATION OF CHILDHOOD WITH LIVER DISEASE, PROGRESSIVE; Mitochondrial DNA depletion syndrome 4A (Alpers type); Alpers Syndrome. Identifiers: Orphanet 726, MedGen C0205710, MONDO:0008758, OMIM 203700.

Submission:

Labcorp Genetics (formerly Invitae), Labcorp
Classification: Uncertain significance for Progressive sclerosing poliodystrophy. Last evaluated: 2022-08-03. Review status: criteria provided, single submitter. Criteria: Invitae Variant Classification Sherloc (09022015). Collection method: clinical testing. Allele origin: germline.
Comment: This variant has not been reported in the literature in individuals affected with POLG-related conditions. This variant is not present in population databases (gnomAD no frequency). This variant, c.127_128insGGCGGCAGC, results in the insertion of 3 amino acid(s) of the POLG protein (p.Arg42_Gln43insArgArgGln), but otherwise preserves the integrity of the reading frame. In summary, the available evidence is currently insufficient to determine the role of this variant in disease. Therefore, it has been classified as a Variant of Uncertain Significance. Experimental studies and prediction algorithms are not available or were not evaluated, and the functional significance of this variant is currently unknown.

NM_002693.3(POLG):c.127_128insGGCGGCAGC (p.Arg42_Gln43insArgArgGln)

Genes: POLG (DNA polymerase gamma, catalytic subunit; minus strand), POLGARF (POLG alternative reading frame; minus strand). Cytogenetic location: 15q26.1.
Variant type: Insertion.
Coding change: c.127_128insGGCGGCAGC on transcript NM_002693.3 (MANE Select); coding-DNA positions 127 to 128, GGCGGCAGC inserted.
Protein change: p.Arg42_Gln43insArgArgGln.
Molecular consequence: inframe insertion.
Genome position: GRCh38 VCF-style: chr15-89333627-T-TGCTGCCGCC. GRCh37 (hg19) VCF-style: chr15-89876858-T-TGCTGCCGCC.
Other names: c.127_128insGGCGGCAGC, p.Arg42_Gln43insArgArgGln (NM_001126131.2).
Identifiers: ClinVar variation 2116600 (VCV002116600.4), dbSNP rs776122200, ClinGen allele CA2555214808.
Genomic context (GRCh38, chr15:89,333,627, plus strand): 5'-GATAGCACTTGCGGCTGCTGAGGCTGCTGTTGCTGCTGCTGCTGCTGCTGCTGCTGCTGC[T>TGCTGCCGCC]GCCGCCGCCGCTGCCCGTCGCTGGGGTCGGACGCGGGGACGGAGCTGGAGACCCAGCGCC-3'